The following is an entry in ClinVar:

ClinVar aggregate classification (germline): Benign/Likely benign. Review status: criteria provided, multiple submitters, no conflicts (2 of 4 stars). 14 submissions from 14 submitters: Benign (7); Likely benign (4). 3 of the submissions do not count toward it. Last evaluated 2026-09-01.

Conditions:
Hereditary cancer-predisposing syndrome. Also called: Neoplastic Syndromes, Hereditary; Tumor predisposition; Hereditary Cancer Syndrome; Hereditary neoplastic syndrome. Identifiers: Orphanet 140162, MedGen C0027672, MeSH D009386, MONDO:0015356.
Charcot-Marie-Tooth disease type 2. Also called: Charcot-Marie-Tooth type 2. Identifiers: Orphanet 64746, MedGen C0270914, MONDO:0018993.
Neuroblastoma (NB). Identifiers: Orphanet 635, MedGen C0027819, MeSH D009447, MONDO:0005072, HP:0003006.
Charcot-Marie-Tooth disease. Also called: Charcot-Marie-Tooth Neuropathy; Charcot-Marie-Tooth Hereditary Neuropathy. Identifiers: Orphanet 166, MedGen C0007959, MONDO:0015626.

Allele frequency attached by ClinVar (database versions not stated): 1000 Genomes Project 0.00040; 1000 Genomes Project 30x 0.00047; gnomAD 0.00147 and 0.00150; TOPMed 0.00159; ExAC 0.00161; gnomAD exomes 0.00169 and 0.00257; ESP Exome Variant Server 0.00246.
gnomAD v4.1: 3,953 of 1,614,184 alleles (0.24%); highest among the groups gnomAD compares: Non-Finnish European, 0.28%; 10 homozygotes.

Submissions (14):

CeGaT Center for Human Genetics Tuebingen
Classification: Likely benign. Last evaluated: 2026-09-01. Review status: criteria provided, single submitter. Criteria: CeGaT Center For Human Genetics Tuebingen Variant Classification Criteria Version 2. Collection method: clinical testing. Allele origin: germline. Affected: yes. Observed: 37 variant alleles.
Comment: KIF1B: BP4, BP7

Labcorp Genetics (formerly Invitae), Labcorp
Classification: Benign for Charcot-Marie-Tooth disease type 2. Last evaluated: 2026-01-18. Review status: criteria provided, single submitter. Criteria: Invitae Variant Classification Sherloc (09022015). Collection method: clinical testing. Allele origin: germline.

Blueprint Genetics
Classification: Likely benign. Last evaluated: 2024-11-22. Review status: criteria provided, single submitter. Criteria: ACMG Guidelines, 2015. Collection method: clinical testing. Allele origin: germline.

Molecular Diagnostics Laboratory, Catalan Institute of Oncology
Classification: Likely benign for Hereditary cancer-predisposing syndrome. Last evaluated: 2024-09-04. Review status: criteria provided, single submitter. Criteria: ACMG Guidelines, 2015. Collection method: clinical testing. Allele origin: germline.
Comment: BP4, BP7 c.4458C>T, located in exon 41 of the KIF1B gene, is predicted to result in no amino acid change, p.(Pro1486=) (BP7). This variant is found in 426/268338 alleles at a frequency of 0.01% in the gnomAD v2.1.1 database, non-cancer dataset. The SpliceAI algorithm predicts no significant impact on splicing (BP4). To our knowledge, neither relevant clinical data nor well-stablished functional studies have been reported for this variant. This variant has been reported in the ClinVar database (8x benign, 3x likely benign) and in the LOVD database (1x benign, 2x likely benign). Based on currently available information, the variant c.4458C>T should be considered a likely benign variant.

ARUP Laboratories, Molecular Genetics and Genomics, ARUP Laboratories
Classification: Benign. Last evaluated: 2023-02-17. Review status: criteria provided, single submitter. Criteria: ARUP Molecular Germline Variant Investigation Process 2024. Collection method: clinical testing. Allele origin: germline.

Ambry Genetics
Classification: Likely benign. Last evaluated: 2020-08-10. Review status: criteria provided, single submitter. Criteria: Ambry Variant Classification Scheme 2023. Collection method: clinical testing. Allele origin: germline.

Illumina Laboratory Services, Illumina
Classification: Benign for Neuroblastoma. Last evaluated: 2018-01-13. Review status: criteria provided, single submitter. Criteria: ICSL Variant Classification Criteria 13 December 2019. Collection method: clinical testing. Allele origin: germline.
Comment: This variant was observed in the ICSL laboratory as part of a predisposition screen in an ostensibly healthy population. It had not been previously curated by ICSL or reported in the Human Gene Mutation Database (HGMD: prior to June 1st, 2018), and was therefore a candidate for classification through an automated scoring system. Utilizing variant allele frequency, disease prevalence and penetrance estimates, and inheritance mode, an automated score was calculated to assess if this variant is too frequent to cause the disease. Based on the score and internal cut-off values, a variant classified as benign is not then subjected to further curation. The score for this variant resulted in a classification of benign for this disease.

Eurofins Ntd Llc (ga)
Classification: Benign. Last evaluated: 2016-04-25. Review status: criteria provided, single submitter. Criteria: EGL Classification Definitions 2015. Collection method: clinical testing. Allele origin: germline. Observed: 1 variant allele, 1 heterozygote.

GeneDx
Classification: Benign. Last evaluated: 2015-03-03. Review status: criteria provided, single submitter. Criteria: GeneDx Variant Classification Process June 2021. Collection method: clinical testing. Allele origin: germline. Affected: yes.

Breakthrough Genomics
Classification: Benign. Review status: criteria provided, single submitter. Criteria: ACMG Guidelines, 2015. Collection method: not provided. Allele origin: germline. Inheritance: Autosomal dominant inheritance. Affected: yes.

Molecular Genetics Laboratory, London Health Sciences Centre
Classification: Benign for Charcot-Marie-Tooth disease. Review status: criteria provided, single submitter. Criteria: ACMG Guidelines, 2015. Collection method: clinical testing. Allele origin: germline. Affected: yes.

Clinical Genetics DNA and cytogenetics Diagnostics Lab, Erasmus MC, Erasmus Medical Center
Classification: Likely benign. Review status: no assertion criteria provided. Collection method: clinical testing. Allele origin: germline. Affected: yes. Study: VKGL Data-share Consensus. Not counted in ClinVar's aggregate classification.

Clinical Genetics, Academic Medical Center
Classification: Benign. Review status: no assertion criteria provided. Collection method: clinical testing. Allele origin: germline. Affected: yes. Study: VKGL Data-share Consensus. Not counted in ClinVar's aggregate classification.

Genome Diagnostics Laboratory, University Medical Center Utrecht
Classification: Likely benign. Review status: no assertion criteria provided. Collection method: clinical testing. Allele origin: germline. Affected: yes. Study: VKGL Data-share Consensus. Not counted in ClinVar's aggregate classification.

NM_001365951.3(KIF1B):c.4596C>T (p.Pro1532=)

Gene: KIF1B (kinesin family member 1B; plus strand). Cytogenetic location: 1p36.22.
Variant type: single nucleotide variant.
Coding change: c.4596C>T on transcript NM_001365951.3 (MANE Select); coding-DNA position 4596, C replaced by T.
Protein change: p.Pro1532=; no amino-acid change (proline 1532 retained).
Molecular consequence: synonymous variant.
Genome position (GRCh38, 1-based): chr1:10,365,492, C>T. VCF-style: chr1-10365492-C-T. GRCh37 (hg19) VCF-style: chr1-10425550-C-T.
Other names: c.4596C>T, p.Pro1532= (NM_001365952.1); c.4458C>T, p.Pro1486= (NM_015074.3).
Identifiers: ClinVar variation 215516 (VCV000215516.55), dbSNP rs147066476, ClinGen allele CA339204.
Genomic context (GRCh38, chr1:10,365,492, plus strand): 5'-GCTGCTGCGTGAGAGACTTGGTGACAGCATCCCCAAATCCCTGAGCGACTCGTTATCCCC[C>T]AGCCTCAGCAGTGGGACCCTCAGCACCTCCACCAGTATCTCCTCTCAGATCTCAACCACT-3'
Protein context (NP_001352880.1, residues 1522-1542): IPKSLSDSLS[Pro1532=]SLSSGTLSTS